The following is an entry in ClinVar:

ClinVar aggregate classification (germline): Pathogenic/Likely pathogenic. Review status: criteria provided, multiple submitters, no conflicts (2 of 4 stars). 5 submissions from 5 submitters: Pathogenic (4); Likely pathogenic (1). Last evaluated 2025-12-01.

Conditions:
Renal tubular acidosis, distal, 3, with or without sensorineural hearing loss (DRTA3). Identifiers: MedGen C5399980, MONDO:0011268, OMIM 602722.

Allele frequency attached by ClinVar (database versions not stated): gnomAD exomes below 0.00001; ExAC 0.00001.
gnomAD v4.1: 3 of 1,613,924 alleles (0.00019%); highest among the groups gnomAD compares: Admixed American, 0.0017%; no homozygotes.

Submissions (5):

3billion
Classification: Pathogenic for Renal tubular acidosis, distal, 3, with or without sensorineural hearing loss. Last evaluated: 2025-12-01. Review status: criteria provided, single submitter. Criteria: ACMG Guidelines, 2015. Collection method: clinical testing. Allele origin: germline. Affected: yes.
Comment: The variant is observed at an extremely low frequency in the gnomAD v4.1.0 dataset (total allele frequency: <0.001%). Predicted Consequence/Location: Canonical splice site: predicted to alter splicing and result in a loss or disruption of normal protein function. Multiple pathogenic loss-of-function variants are reported downstream of the variant. In silico tools predict the variant to alter splicing and produce an abnormal transcript [SpliceAI: 1.00 (spliceogenicity >=0.2, non-spliceogenicity <0.1)]. The variant has been reported at least twice as pathogenic with clinical assertions and evidence for the classification (ClinVar ID: VCV001323843 /PMID: 10973252). Therefore, this variant is classified as Pathogenic according to the recommendation of ACMG/AMP guideline.

First Genomix Gene Laboratory, Genetic Diagnostics Department
Classification: Pathogenic for Renal tubular acidosis, distal, 3, with or without sensorineural hearing loss. Last evaluated: 2025-03-20. Review status: criteria provided, single submitter. Criteria: ACMG Guidelines, 2015. Collection method: clinical testing. Allele origin: germline. Inheritance: Autosomal recessive inheritance. Affected: no. Observed: 1 variant allele.

Fulgent Genetics
Classification: Likely pathogenic for Renal tubular acidosis, distal, 3, with or without sensorineural hearing loss. Last evaluated: 2024-05-18. Review status: criteria provided, single submitter. Criteria: ACMG Guidelines, 2015. Collection method: clinical testing. Allele origin: germline.

Genomic Medicine Center of Excellence, King Faisal Specialist Hospital and Research Centre
Classification: Pathogenic for Renal tubular acidosis, distal, 3, with or without sensorineural hearing loss. Last evaluated: 2024-03-17. Review status: criteria provided, single submitter. Criteria: ACMG Guidelines, 2015. Collection method: research. Allele origin: germline.

Revvity Omics, Revvity
Classification: Pathogenic for Renal tubular acidosis, distal, 3, with or without sensorineural hearing loss. Last evaluated: 2021-04-09. Review status: criteria provided, single submitter. Criteria: ACMG Guidelines, 2015. Collection method: clinical testing. Allele origin: germline.

Literature cited by the submitters: PubMed 10973252 (cited by 3billion).

NM_020632.3(ATP6V0A4):c.292-1G>A

Gene: ATP6V0A4 (ATPase H+ transporting V0 subunit a4; minus strand). Cytogenetic location: 7q34.
Variant type: single nucleotide variant.
Coding change: c.292-1G>A on transcript NM_020632.3 (MANE Select); the canonical splice acceptor site of the intron before coding-DNA position 292, G replaced by A.
Molecular consequence: splice acceptor variant.
Genome position (GRCh38, 1-based): chr7:138,763,026, C>T on the plus strand (G>A on the coding strand, the complement: ATP6V0A4 is on the minus strand). VCF-style: chr7-138763026-C-T. GRCh37 (hg19) VCF-style: chr7-138447771-C-T.
Other names: c.292-1G>A (NM_130840.3, NM_130841.3).
Identifiers: ClinVar variation 1323843 (VCV001323843.10), dbSNP rs776867749, ClinGen allele CA4505164.